The following is an entry in ClinVar:

ClinVar aggregate classification (germline): Uncertain significance (1 of 4 stars; one submission).

Conditions:
Werner syndrome (WRN). Identifiers: Orphanet 902, MedGen C0043119, MONDO:0010196, OMIM 277700.

Allele frequency attached by ClinVar (database versions not stated): gnomAD exomes below 0.00001; ExAC 0.00001; gnomAD 0.00001; TOPMed 0.00001; ESP Exome Variant Server 0.00008.
gnomAD v4.1: 1 of 1,613,928 alleles (0.000062%); highest among the groups gnomAD compares: African/African-American, 0.0013%; no homozygotes.

Submission:

Labcorp Genetics (formerly Invitae), Labcorp
Classification: Uncertain significance for Werner syndrome. Last evaluated: 2021-03-29. Review status: criteria provided, single submitter. Criteria: Invitae Variant Classification Sherloc (09022015). Collection method: clinical testing. Allele origin: germline.
Comment: This sequence change replaces lysine with arginine at codon 686 of the WRN protein (p.Lys686Arg). The lysine residue is weakly conserved and there is a small physicochemical difference between lysine and arginine. This variant is present in population databases (rs370522829, ExAC 0.01%). This variant has not been reported in the literature in individuals with WRN-related conditions. Algorithms developed to predict the effect of missense changes on protein structure and function are either unavailable or do not agree on the potential impact of this missense change (SIFT: "Not Available"; PolyPhen-2: "Benign"; Align-GVGD: "Not Available"). In summary, the available evidence is currently insufficient to determine the role of this variant in disease. Therefore, it has been classified as a Variant of Uncertain Significance.

NM_000553.6(WRN):c.2057A>G (p.Lys686Arg)

Gene: WRN (WRN RecQ like helicase; plus strand). Cytogenetic location: 8p12.
Variant type: single nucleotide variant.
Coding change: c.2057A>G on transcript NM_000553.6 (MANE Select); coding-DNA position 2057, A replaced by G.
Protein change: p.Lys686Arg; replaces lysine 686 with arginine.
Molecular consequence: missense variant.
Genome position (GRCh38, 1-based): chr8:31,100,924, A>G. VCF-style: chr8-31100924-A-G. GRCh37 (hg19) VCF-style: chr8-30958440-A-G.
Other names: short protein forms K686R.
Identifiers: ClinVar variation 1346663 (VCV001346663.6), dbSNP rs370522829, ClinGen allele CA4704607.
Genomic context (GRCh38, chr8:31,100,924, plus strand): 5'-CTGTGGATGAGGCTCACTGTATTTCTGAGTGGGGGCATGATTTTAGGGATTCATTCAGGA[A>G]GTTGGGCTCCCTAAAGACAGCACTGCCAATGGTAAGCTTTGCCAAGTCTGATGTCCCGAA-3'
Protein context (NP_000544.2, residues 676-696): WGHDFRDSFR[Lys686Arg]LGSLKTALPM